The following is an entry in ClinVar:

NM_018489.3(ASH1L):c.49G>A (p.Gly17Ser)

Gene: ASH1L (ASH1 like histone lysine methyltransferase; minus strand). Cytogenetic location: 1q22.
Variant type: single nucleotide variant.
Coding change: c.49G>A on transcript NM_018489.3 (MANE Select); coding-DNA position 49, G replaced by A.
Protein change: p.Gly17Ser; replaces glycine 17 with serine.
Molecular consequence: missense variant.
Genome position (GRCh38, 1-based): chr1:155,521,471, C>T on the plus strand (G>A on the coding strand, the complement: ASH1L is on the minus strand). VCF-style: chr1-155521471-C-T. GRCh37 (hg19) VCF-style: chr1-155491262-C-T.
Other names: c.49G>A, p.Gly17Ser (NM_001366177.2); short protein forms G17S.
Identifiers: ClinVar variation 4294369 (VCV004294369.1).

ClinVar aggregate classification (germline): Uncertain significance (1 of 4 stars; one submission).

Conditions:
Intellectual developmental disorder, autosomal dominant 52. Also called: Intellectual disability, autosomal dominant 52; Mental retardation, autosomal dominant 52. Identifiers: MedGen C4540478, MONDO:0030918, OMIM 617796.

Submission:

Laboratoire Génétique Moléculaire, CHRU TOURS
Classification: Uncertain significance for Intellectual developmental disorder, autosomal dominant 52. Last evaluated: 2023-12-22. Review status: criteria provided, single submitter. Criteria: ACMG Guidelines, 2015. Collection method: clinical testing. Allele origin: maternal.
Comment: PM2;PP3